The following is an entry in ClinVar:

ClinVar aggregate classification (germline): Conflicting classifications of pathogenicity. Review status: criteria provided, conflicting classifications (1 of 4 stars). 2 submissions from 2 submitters: Uncertain significance (1); Likely benign (1). Last evaluated 2026-02-04.

Conditions:
Hereditary cancer-predisposing syndrome. Also called: Neoplastic Syndromes, Hereditary; Tumor predisposition; Hereditary Cancer Syndrome; Hereditary neoplastic syndrome. Identifiers: Orphanet 140162, MedGen C0027672, MeSH D009386, MONDO:0015356.
Renal cell carcinoma. Identifiers: Orphanet 217071, MedGen C0007134, MeSH D002292, MONDO:0005086, HP:0005584.

Submissions (2):

Ambry Genetics
Classification: Likely benign for Hereditary cancer-predisposing syndrome. Last evaluated: 2026-02-04. Review status: criteria provided, single submitter. Criteria: Ambry Variant Classification Scheme 2023. Collection method: clinical testing. Allele origin: germline.

Labcorp Genetics (formerly Invitae), Labcorp
Classification: Uncertain significance for Renal cell carcinoma. Last evaluated: 2025-11-12. Review status: criteria provided, single submitter. Criteria: Invitae Variant Classification Sherloc (09022015). Collection method: clinical testing. Allele origin: germline.
Comment: This sequence change replaces serine, which is neutral and polar, with asparagine, which is neutral and polar, at codon 132 of the MET protein (p.Ser132Asn). This variant is not present in population databases (gnomAD no frequency). This variant has not been reported in the literature in individuals affected with MET-related conditions. ClinVar contains an entry for this variant (Variation ID: 1491907). Invitae Evidence Modeling of protein sequence and biophysical properties (such as structural, functional, and spatial information, amino acid conservation, physicochemical variation, residue mobility, and thermodynamic stability) has been performed for this missense variant. However, the output from this modeling did not meet the statistical confidence thresholds required to predict the impact of this variant on MET protein function. In summary, the available evidence is currently insufficient to determine the role of this variant in disease. Therefore, it has been classified as a Variant of Uncertain Significance.

NM_000245.4(MET):c.395G>A (p.Ser132Asn)

Gene: MET (MET proto-oncogene, receptor tyrosine kinase; plus strand). Cytogenetic location: 7q31.2.
Variant type: single nucleotide variant.
Coding change: c.395G>A on transcript NM_000245.4 (MANE Select); coding-DNA position 395, G replaced by A.
Protein change: p.Ser132Asn; replaces serine 132 with asparagine.
Molecular consequence: missense variant. On other transcripts: intron variant (1).
Genome position (GRCh38, 1-based): chr7:116,699,479, G>A. VCF-style: chr7-116699479-G-A. GRCh37 (hg19) VCF-style: chr7-116339533-G-A.
Other names: c.395G>A, p.Ser132Asn (NM_001127500.3, NM_001324401.3); c.-91+26902G>A (NM_001324402.2); c.395G>A (NM_001127500.1); short protein forms S132N.
Identifiers: ClinVar variation 1491907 (VCV001491907.9), dbSNP rs1791478666, ClinGen allele CA368968984.